The following is an entry in ClinVar:

ClinVar aggregate classification (germline): Pathogenic (1 of 4 stars; one submission).

Conditions:
Lysinuric protein intolerance (LPI). Identifiers: Orphanet 470, MedGen C0268647, MONDO:0009109, OMIM 222700.

Submission:

Labcorp Genetics (formerly Invitae), Labcorp
Classification: Pathogenic for Lysinuric protein intolerance. Last evaluated: 2025-05-13. Review status: criteria provided, single submitter. Criteria: Invitae Variant Classification Sherloc (09022015). Collection method: clinical testing. Allele origin: germline.
Comment: This variant results in the deletion of part of exons 9 and 10 (c.1208_1335del) of the SLC7A7 gene. While this deletion is not anticipated to lead to nonsense mediated decay, it is expected to disrupt the C-terminus of the protein. This variant is not present in population databases (gnomAD no frequency). This variant has not been reported in the literature in individuals affected with SLC7A7-related conditions. This variant disrupts a region of the SLC7A7 protein in which other variant(s) (p.Arg473*) have been determined to be pathogenic (PMID: 10655553, 28028301). This suggests that this is a clinically significant region of the protein, and that variants that disrupt it are likely to be disease-causing. For these reasons, this variant has been classified as Pathogenic.

Literature cited by the submitters: PubMed 10655553; PubMed 28028301.

NM_003982.4(SLC7A7):c.1205_1332del128 (p.Leu403fs)

Gene: SLC7A7 (solute carrier family 7 member 7; minus strand). Cytogenetic location: 14q11.2.
Variant type: Deletion.
Coding change: c.1205_1332del128 on transcript NM_003982.4 (MANE Select); coding-DNA positions 1205 to 1332, 128 bases deleted.
Protein change: p.Leu403fs; shifts the reading frame from leucine 403.
Molecular consequence: frameshift variant, splice acceptor variant, splice donor variant.
Genome position: GRCh38: chr14:22,774,030-22,774,394. GRCh37 (hg19): chr14:23,243,239-23,243,603.
Other names: c.1205_1332del128, p.Leu403fs (NM_001126105.3, NM_001126106.4); short protein forms L403fs.
Identifiers: ClinVar variation 4719296 (VCV004719296.1).